The following is an entry in ClinVar:

NM_177438.3(DICER1):c.655T>C (p.Leu219=)

Gene: DICER1 (dicer 1, ribonuclease III; minus strand). Cytogenetic location: 14q32.13.
Variant type: single nucleotide variant.
Coding change: c.655T>C on transcript NM_177438.3 (MANE Select); coding-DNA position 655, T replaced by C.
Protein change: p.Leu219=; no amino-acid change (leucine 219 retained).
Molecular consequence: synonymous variant.
Genome position (GRCh38, 1-based): chr14:95,129,551, A>G on the plus strand (T>C on the coding strand, the complement: DICER1 is on the minus strand). VCF-style: chr14-95129551-A-G. GRCh37 (hg19) VCF-style: chr14-95595888-A-G.
Other names: c.655T>C, p.Leu219= (NM_001195573.1, NM_001271282.3, NM_001291628.2 and 1 more transcripts).
Identifiers: ClinVar variation 477275 (VCV000477275.19), dbSNP rs777225197, ClinGen allele CA7331604.

ClinVar aggregate classification (germline): Benign/Likely benign. Review status: criteria provided, multiple submitters, no conflicts (2 of 4 stars). 4 submissions from 4 submitters: Benign (1); Likely benign (3). Last evaluated 2026-08-18.

Conditions:
Hereditary cancer-predisposing syndrome. Also called: Tumor predisposition; Neoplastic Syndromes, Hereditary; Hereditary Cancer Syndrome; Hereditary neoplastic syndrome. Identifiers: Orphanet 140162, MedGen C0027672, MeSH D009386, MONDO:0015356.
DICER1-related tumor predisposition. Also called: DICER1 syndrome; DICER1-related pleuropulmonary blastoma cancer predisposition syndrome. Identifiers: Orphanet 284343, MedGen C3839822, MONDO:0100216.

Allele frequency attached by ClinVar (database versions not stated): TOPMed 0.00001; gnomAD exomes 0.00002 and 0.00004; ExAC 0.00001.
gnomAD v4.1: 22 of 1,613,906 alleles (0.0014%); highest among the groups gnomAD compares: Admixed American, 0.01%; no homozygotes.

Submissions (4):

Myriad Genetics, Inc.
Classification: Benign for DICER1-related tumor predisposition. Last evaluated: 2026-08-18. Review status: criteria provided, single submitter. Criteria: Myriad Autosomal Dominant, Autosomal Recessive and X-Linked Classification Criteria (2023). Collection method: clinical testing. Allele origin: unknown.
Comment: This variant is considered benign. This variant is a silent/synonymous amino acid change and it is not expected to impact splicing.

Labcorp Genetics (formerly Invitae), Labcorp
Classification: Likely benign for DICER1-related tumor predisposition. Last evaluated: 2025-10-31. Review status: criteria provided, single submitter. Criteria: Invitae Variant Classification Sherloc (09022015). Collection method: clinical testing. Allele origin: germline.

ARUP Laboratories, Molecular Genetics and Genomics, ARUP Laboratories
Classification: Likely benign. Last evaluated: 2024-10-08. Review status: criteria provided, single submitter. Criteria: ARUP Molecular Germline Variant Investigation Process 2024. Collection method: clinical testing. Allele origin: germline.

Ambry Genetics
Classification: Likely benign for Hereditary cancer-predisposing syndrome. Last evaluated: 2017-07-07. Review status: criteria provided, single submitter. Criteria: Ambry Variant Classification Scheme 2023. Collection method: clinical testing. Allele origin: germline.